The following is an entry in ClinVar:

NM_006118.4(HAX1):c.247G>T (p.Asp83Tyr)

Gene: HAX1 (HCLS1 associated protein X-1; plus strand). Cytogenetic location: 1q21.3.
Variant type: single nucleotide variant.
Coding change: c.247G>T on transcript NM_006118.4 (MANE Select); coding-DNA position 247, G replaced by T.
Protein change: p.Asp83Tyr; replaces aspartic acid 83 with tyrosine.
Molecular consequence: missense variant.
Genome position (GRCh38, 1-based): chr1:154,273,529, G>T. VCF-style: chr1-154273529-G-T. GRCh37 (hg19) VCF-style: chr1-154246005-G-T.
Other names: c.103G>T, p.Asp35Tyr (NM_001018837.2); short protein forms D35Y, D83Y.
Identifiers: ClinVar variation 4269051 (VCV004269051.1).
Genomic context (GRCh38, chr1:154,273,529, plus strand): 5'-TTCGGCTTCAGCTTCAGCCCAGGAGGAGGGATACGTTTCCACGATAACTTCGGCTTTGAT[G>T]ACCTAGTACGAGATTTCAATAGCATCTTCAGCGATATGGGGGCCTGGACCTTGCCTTCCC-3'
Protein context (NP_006109.2, residues 73-93): IRFHDNFGFD[Asp83Tyr]LVRDFNSIFS

ClinVar aggregate classification (germline): Uncertain significance (1 of 4 stars; one submission).

Conditions:
Inborn genetic diseases. Identifiers: MedGen C0950123, MeSH D030342.

Submission:

Ambry Genetics
Classification: Uncertain significance for Inborn genetic diseases. Last evaluated: 2025-08-22. Review status: criteria provided, single submitter. Criteria: Ambry Variant Classification Scheme 2023. Collection method: clinical testing. Allele origin: germline.
Comment: The p.D83Y variant (also known as c.247G>T), located in coding exon 2 of the HAX1 gene, results from a G to T substitution at nucleotide position 247. The aspartic acid at codon 83 is replaced by tyrosine, an amino acid with highly dissimilar properties. This amino acid position is conserved. In addition, the in silico prediction for this alteration is inconclusive. Based on the available evidence, the clinical significance of this variant remains unclear.